The following is an entry in ClinVar:

NM_021072.4(HCN1):c.2329A>G (p.Thr777Ala)

Gene: HCN1 (hyperpolarization activated cyclic nucleotide gated potassium channel 1; minus strand). Cytogenetic location: 5p12.
Variant type: single nucleotide variant.
Coding change: c.2329A>G on transcript NM_021072.4 (MANE Select); coding-DNA position 2329, A replaced by G.
Protein change: p.Thr777Ala; replaces threonine 777 with alanine.
Molecular consequence: missense variant.
Genome position (GRCh38, 1-based): chr5:45,262,265, T>C on the plus strand (A>G on the coding strand, the complement: HCN1 is on the minus strand). VCF-style: chr5-45262265-T-C. GRCh37 (hg19) VCF-style: chr5-45262367-T-C.
Other names: short protein forms T777A.
Identifiers: ClinVar variation 1495674 (VCV001495674.7), dbSNP rs1307516754, ClinGen allele CA359703557.
Genomic context (GRCh38, chr5:45,262,265, plus strand): 5'-CCTCATGGGGCAGCGAGGGCTGCGAGGCGGAGAGTGGCCTGACTTCCCGGGTCAGGTTGG[T>C]GTTGTGAAGCGCCTGCGTGCTCTTGTGCACTTCATTTTTCGGCGTGGAGCTGCCAGGTGT-3'
Protein context (NP_066550.2, residues 767-787): VHKSTQALHN[Thr777Ala]NLTREVRPLS

ClinVar aggregate classification (germline): Uncertain significance (1 of 4 stars; one submission).

Conditions:
Early-infantile DEE. Also called: Early infantile epileptic encephalopathy; Early infantile epileptic encephalopathy with suppression bursts; Ohtahara syndrome. Identifiers: Orphanet 1934, MedGen C0393706, MONDO:0800491.

Allele frequency attached by ClinVar (database versions not stated): gnomAD exomes below 0.00001; TOPMed 0.00001.
gnomAD v4.1: 1 of 1,613,818 alleles (0.000062%); highest among the groups gnomAD compares: Admixed American, 0.0017%; no homozygotes.

Submission:

Labcorp Genetics (formerly Invitae), Labcorp
Classification: Uncertain significance for Early-infantile DEE. Last evaluated: 2022-03-18. Review status: criteria provided, single submitter. Criteria: Invitae Variant Classification Sherloc (09022015). Collection method: clinical testing. Allele origin: germline.
Comment: In summary, the available evidence is currently insufficient to determine the role of this variant in disease. Therefore, it has been classified as a Variant of Uncertain Significance. Advanced modeling of protein sequence and biophysical properties (such as structural, functional, and spatial information, amino acid conservation, physicochemical variation, residue mobility, and thermodynamic stability) performed at Invitae indicates that this missense variant is not expected to disrupt HCN1 protein function. This variant has not been reported in the literature in individuals affected with HCN1-related conditions. This variant is present in population databases (no rsID available, gnomAD 0.003%). This sequence change replaces threonine, which is neutral and polar, with alanine, which is neutral and non-polar, at codon 777 of the HCN1 protein (p.Thr777Ala).